The following is an entry in ClinVar:

NM_032620.4(GTPBP3):c.121T>A (p.Ser41Thr)

Gene: GTPBP3 (GTP binding protein 3, mitochondrial; plus strand). Cytogenetic location: 19p13.11.
Variant type: single nucleotide variant.
Coding change: c.121T>A on transcript NM_032620.4 (MANE Select); coding-DNA position 121, T replaced by A.
Protein change: p.Ser41Thr; replaces serine 41 with threonine.
Molecular consequence: missense variant.
Genome position (GRCh38, 1-based): chr19:17,338,075, T>A. VCF-style: chr19-17338075-T-A. GRCh37 (hg19) VCF-style: chr19-17448884-T-A.
Other names: c.121T>A, p.Ser41Thr (NM_001128855.3, NM_133644.4); c.187T>A, p.Ser63Thr (NM_001195422.1); short protein forms S63T, S41T.
Identifiers: ClinVar variation 1486695 (VCV001486695.4), dbSNP rs776185045, ClinGen allele CA9293237.

ClinVar aggregate classification (germline): Uncertain significance (1 of 4 stars; one submission).

Allele frequency attached by ClinVar (database versions not stated): gnomAD exomes 0.00001 and 0.00002; TOPMed 0.00001; ExAC 0.00002.

Submission:

Labcorp Genetics (formerly Invitae), Labcorp
Classification: Uncertain significance. Last evaluated: 2023-12-11. Review status: criteria provided, single submitter. Criteria: Invitae Variant Classification Sherloc (09022015). Collection method: clinical testing. Allele origin: germline.
Comment: This sequence change replaces serine, which is neutral and polar, with threonine, which is neutral and polar, at codon 41 of the GTPBP3 protein (p.Ser41Thr). This variant is present in population databases (rs776185045, gnomAD 0.01%). This variant has not been reported in the literature in individuals affected with GTPBP3-related conditions. ClinVar contains an entry for this variant (Variation ID: 1486695). Advanced modeling of protein sequence and biophysical properties (such as structural, functional, and spatial information, amino acid conservation, physicochemical variation, residue mobility, and thermodynamic stability) performed at Invitae indicates that this missense variant is not expected to disrupt GTPBP3 protein function with a negative predictive value of 80%. In summary, the available evidence is currently insufficient to determine the role of this variant in disease. Therefore, it has been classified as a Variant of Uncertain Significance.